The following is an entry in ClinVar:

ClinVar aggregate classification (germline): Uncertain significance (1 of 4 stars; one submission).

Conditions:
Autosomal dominant nonsyndromic hearing loss 6 (LFSNHL). Also called: DEAFNESS, AUTOSOMAL DOMINANT 6; DEAFNESS, AUTOSOMAL DOMINANT 14; DEAFNESS, AUTOSOMAL DOMINANT 38; DIDMOAD (Diabetes Insipidus, Diabetes Mellitus, Optic Atrophy, and Deafness); Autosomal dominant nonsyndromic deafness 6. Identifiers: Orphanet 90635, MedGen C1833021, MONDO:0010963, OMIM 600965.

Allele frequency attached by ClinVar (database versions not stated): gnomAD exomes below 0.00001.
gnomAD v4.1: 1 of 1,613,160 alleles (0.000062%); highest among the groups gnomAD compares: African/African-American, 0.0013%; no homozygotes.

Submission:

Institute of Human Genetics, University of Leipzig Medical Center
Classification: Uncertain significance for Autosomal dominant nonsyndromic hearing loss 6. Last evaluated: 2023-08-17. Review status: criteria provided, single submitter. Criteria: ACMG Guidelines, 2015. Collection method: clinical testing. Allele origin: paternal. Inheritance: Autosomal dominant inheritance. Affected: yes.
Comment: Criteria applied: PS4_SUP,PM2_SUP,PM5_SUP

NM_006005.3(WFS1):c.2045A>G (p.Asn682Ser)

Gene: WFS1 (wolframin ER transmembrane glycoprotein; plus strand). Cytogenetic location: 4p16.1.
Variant type: single nucleotide variant.
Coding change: c.2045A>G on transcript NM_006005.3 (MANE Select); coding-DNA position 2045, A replaced by G.
Protein change: p.Asn682Ser; replaces asparagine 682 with serine.
Molecular consequence: missense variant.
Genome position (GRCh38, 1-based): chr4:6,301,840, A>G. VCF-style: chr4-6301840-A-G. GRCh37 (hg19) VCF-style: chr4-6303567-A-G.
Other names: c.2045A>G, p.Asn682Ser (NM_001145853.1); short protein forms N682S.
Identifiers: ClinVar variation 2578442 (VCV002578442.2), dbSNP rs2474195788, ClinGen allele CA356177596.